The following is an entry in ClinVar:

NM_007194.4(CHEK2):c.1100del (p.Thr367fs)

Gene: CHEK2 (checkpoint kinase 2; minus strand). Cytogenetic location: 22q12.1.
Variant type: Deletion.
Coding change: c.1100del on transcript NM_007194.4 (MANE Select); coding-DNA position 1100, one base deleted (C; older notation c.1100delC).
Protein change: p.Thr367fs; shifts the reading frame from threonine 367.
Molecular consequence: frameshift variant.
Genome position (GRCh38, 1-based): chr22:28,695,869, G deleted on the plus strand (C on the coding strand, the reverse complement: CHEK2 is on the minus strand). VCF-style (leftmost placement, unchanged base first): chr22-28695868-AG-A. GRCh37 (hg19) VCF-style: chr22-29091856-AG-A.
Other names: NP_009125.1:p.Thr367MetfsTer15; c.1100delC (NM_007194.4); c.1229delC, p.Thr410Metfs (NM_001005735.3); c.437delC, p.Thr146Metfs (NM_001257387.3); c.899delC, p.Thr300Metfs (NM_001349956.3); c.1013delC, p.Thr338Metfs (NM_145862.3); c.1229del (NM_001005735.1); c.1229delC (NM_001005735.2); short protein forms T146fs, T338fs, T410fs, T300fs, T367fs.
Identifiers: ClinVar variation 128042 (VCV000128042.178), dbSNP rs555607708, ClinGen allele CA288251.

ClinVar aggregate classification (germline): Pathogenic. Review status: criteria provided, multiple submitters, no conflicts (2 of 4 stars). 99 submissions from 87 submitters: Pathogenic (76). 23 of the submissions do not count toward it. Last evaluated 2026-09-07.

Conditions:
CHEK2-related disorder.
Colorectal cancer. Also called: Malignant Colorectal Neoplasm; Colorectal cancer, somatic. Identifiers: MedGen C0346629, MONDO:0005575, OMIM 114500.
Familial cancer of breast. Also called: BREAST CANCER, FAMILIAL; hereditary breast carcinoma; Hereditary breast cancer. Identifiers: Orphanet 227535, MedGen C0346153, MONDO:0016419, OMIM 114480. Disease mechanism: loss of function.
Familial prostate cancer. Also called: Hereditary Prostate Cancer. Identifiers: MedGen C2931456, MONDO:0700275, OMIM 176807.
Inherited prostate cancer.
Inherited breast cancer and ovarian cancer.
NICE approved PARP inhibitor treatment.
TUMOR PREDISPOSITION SYNDROME 4, BREAST/PROSTATE/COLORECTAL.
Breast neoplasm. Also called: Neoplasm of breast; Breast tumor; Neoplasm of the breast; Breast Neoplasms. Identifiers: MedGen C1458155, MeSH D001943, MONDO:0021100, HP:0100013. Disease mechanism: gain of function.
Leiomyosarcoma. Identifiers: Orphanet 64720, MedGen C0023269, MONDO:0005058, HP:0100243.
CHEK2-related cancer predisposition (TPDS4). Also called: TUMOR PREDISPOSITION SYNDROME 4; CANCER PREDISPOSITION SYNDROME, CHEK2-RELATED; CHEK2-related cancer susceptibility. Identifiers: Orphanet 524, MedGen C5882668, MONDO:0700271, OMIM 609265.
Bone osteosarcoma. Also called: Osteosarcoma, somatic. Identifiers: Orphanet 668, MedGen C0585442, MONDO:0002629, OMIM 259500.
Predisposition to cancer.
Hereditary cancer-predisposing syndrome. Also called: Neoplastic Syndromes, Hereditary; Hereditary neoplastic syndrome; Hereditary Cancer Syndrome; Tumor predisposition. Identifiers: Orphanet 140162, MedGen C0027672, MeSH D009386, MONDO:0015356.
Breast and/or ovarian cancer. Identifiers: MedGen CN221562.
Prostate cancer. Also called: Malignant tumor of prostate. Identifiers: Orphanet 1331, MedGen C0376358, MONDO:0008315, HP:0012125.
Astrocytoma. Also called: Astrocytoma (excluding glioblastoma). Identifiers: MedGen C0004114, MeSH D001254, MONDO:0019781, HP:0009592.
Hereditary breast ovarian cancer syndrome. Also called: Breast and ovarian cancer; Hereditary breast and/or ovarian cancer syndrome; Hereditary breast and ovarian cancer syndrome; Hereditary breast and ovarian cancer syndrome (HBOC); Hereditary breast and ovarian cancer; BRCA1- and BRCA2-Associated Hereditary Breast and Ovarian Cancer. Identifiers: Orphanet 145, MedGen C0677776, MeSH D061325, MONDO:0003582. Disease mechanism: loss of function.
Carcinoma of pancreas. Also called: Pancreatic cancer, somatic; Pancreatic carcinoma, somatic; PANCREATIC ACINAR CARCINOMA; PANCREATIC CARCINOMA; Exocrine pancreatic carcinoma. Identifiers: Orphanet 1333, Orphanet 217074, MedGen C0235974, MONDO:0005192. Disease mechanism: loss of function.
Ovarian neoplasm. Also called: Neoplasm of ovary; Ovarian tumor; Ovarian Neoplasms. Identifiers: MedGen C0919267, MeSH D010051, MONDO:0021068, HP:0100615.
Li-Fraumeni syndrome 1 (LFS). Identifiers: Orphanet 524, MedGen C1835398, OMIM 151623, MeSH C538639.
Breast and colorectal cancer, susceptibility to. Also called: HBCC, susceptibility to. Identifiers: MedGen CN068920.
Li-Fraumeni syndrome (LFS). Also called: Sarcoma family syndrome of Li and Fraumeni. Identifiers: Orphanet 524, MedGen C0085390, MONDO:0018875.
Breast-ovarian cancer, familial, susceptibility to, 1 (BROVCA1). Also called: OVARIAN CANCER, SUSCEPTIBILITY TO; BRCA1 Hereditary Breast and Ovarian Cancer. Identifiers: Orphanet 145, MedGen C2676676, MONDO:0011450, OMIM 604370. Disease mechanism: loss of function.
Breast cancer, susceptibility to. Identifiers: MedGen C3469522. Disease mechanism: gain of function.
Malignant tumor of breast. Also called: Cancer breast; Malignant breast neoplasm. Identifiers: MedGen C0006142, MONDO:0007254. Disease mechanism: loss of function.
Breast carcinoma. Also called: Carcinoma of breast. Identifiers: MedGen C0678222, MONDO:0004989, HP:0003002.

Allele frequency attached by ClinVar (database versions not stated): 1000 Genomes Project 0.00100; TOPMed 0.00100; 1000 Genomes Project 30x 0.00109; ESP Exome Variant Server 0.00120; gnomAD 0.00175 and 0.00181; ExAC 0.00182; gnomAD exomes 0.00204.

Submissions 1 to 6 of 99:

Genetics Laboratory, Great Ormond Street Hospital NHS Foundation Trust, North Thames Genomic Laboratory Hub
Classification: Pathogenic for Inherited breast cancer and ovarian cancer. Last evaluated: 2026-09-07. Review status: criteria provided, single submitter. Criteria: CanVIG CHEK2 Gene Specific V1.2. Collection method: clinical testing. Allele origin: germline. Affected: yes.
Comment: PS4_strong, PVS1_very-strong, PM5_supporting

CeGaT Center for Human Genetics Tuebingen
Classification: Pathogenic. Last evaluated: 2026-09-01. Review status: criteria provided, single submitter. Criteria: CeGaT Center For Human Genetics Tuebingen Variant Classification Criteria Version 2. Collection method: clinical testing. Allele origin: germline. Affected: yes. Observed: 130 variant alleles.
Comment: CHEK2: PVS1, PP1:Strong, PS4:Moderate

Institute of Human Genetics, University of Leipzig Medical Center
Classification: Pathogenic for CHEK2-related cancer predisposition. Last evaluated: 2026-08-11. Review status: criteria provided, single submitter. Criteria: ACMG Guidelines, 2015. Collection method: clinical testing. Allele origin: unknown. Inheritance: Autosomal dominant inheritance. Affected: yes.
Comment: Criteria applied: PVS1,PS4,PM5_SUP

PreventionGenetics, part of Exact Sciences
Classification: Pathogenic for CHEK2-related condition. Last evaluated: 2026-08-04. Review status: criteria provided, single submitter. Criteria: ACMG Guidelines, 2015. Collection method: clinical testing. Allele origin: germline.
Comment: The CHEK2 c.1100delC variant is predicted to result in a frameshift and premature protein termination (p.Thr367Metfs*15). This variant has been reported to be causative for hereditary breast cancer and uterine serous carcinoma (Bell et al. 1999. PubMed ID: 10617473; Pennington et al. 2013. PubMed ID: 22811390). In a large Danish study, this variant was associated with a statistically-significant increased risk of breast cancer (hazard ratio [HR]: 2.08, 95% CI: 1.51-2.85) and stomach cancer (HR: 5.76, 95%CI: 2.12-15.6; Näslund-Koch et al. 2016. PubMed ID: 26884562). In another study consisting of more than 80,000 breast cancer patients and age-appropriate controls, this variant was reported to have a higher risk for estrogen receptor-positive breast cancer (Schmidt et al. 2016. PubMed ID: 27269948). In addition, this variant has been associated with prostate (Hale et al. 2014. PubMed ID: 25431674) and colorectal cancers (Wasielewski et al. 2008. PubMed ID: 18676774; Xiang et al. 2011. PubMed ID: 21807500). Functional studies have shown that the c.1100del variant impairs CHEK2 activity (Lee et al. 2001. PubMed ID: 11719428; Roeb et al. 2012. PubMed ID: 22419737). This variant is interpreted as pathogenic in ClinVar (Variation ID: 128042). Loss-of-function variants in CHEK2 are known to be pathogenic. This variant is interpreted as pathogenic.

Hema, HEMA – Genetic and Molecular Diagnostic Laboratory
Classification: Pathogenic for CHEK2-related cancer predisposition. Last evaluated: 2026-04-27. Review status: criteria provided, single submitter. Criteria: HEMA Variant Classification Assertion Criteria. Collection method: clinical testing. Allele origin: germline.
Comment: This variant, known as 1100delC, is the most common pathogenic variant in CHEK2. It is a one-nucleotide deletion in exon 10 that results in a frameshift starting from codon 367 and introduces a premature stop codon at position 15 of the new reading frame. PVS1: Null variant (frameshift) in a gene for which loss of function is a known disease mechanism. The 1100delC variant in the CHEK2 gene is a frameshift variant that results in a premature stop codon in exon 10/14, which is predicted to lead to nonsense-mediated decay (NMD) of the transcript. This has been experimentally verified in both human cells and a murine model (PMID: 17174984, 19061508). In patient samples with this variant, despite having low transcript levels, the truncated protein was not detected (PMID: 19061508). If the truncated CHK2 protein (p.Thr367MetfsTer15) were to be produced, it lacks kinase activity (PMID: 11053450). PS4: The prevalence of the variant in cases is significantly higher than in controls. A recent meta-analysis (PMID: 29909568) reported an odds ratio of 2.88 (95% CI 2.63–3.16) for breast cancer in women, 2.87 (95% CI 1.85–4.47) for early-onset breast cancer, and 3.21 (95% CI 2.41–4.29) for familial breast cancer. Other scientific publications also found an association between the variant and breast cancer (PMID: 18172190, 27269948, 30128536, 33471991). Although the variant is found at a relatively high frequency in gnomAD, the BS1 criterion was not applied because it is a known founder variant of established pathogenicity.

St. Jude Molecular Pathology, St. Jude Children's Research Hospital
Classification: Pathogenic for Predisposition to cancer. Last evaluated: 2026-02-11. Review status: criteria provided, single submitter. Criteria: St. Jude Assertion Criteria 2020. Collection method: clinical testing. Allele origin: germline.
Comment: The CHEK2 c.1100del (p.Thr367MetfsTer15) change causes a frameshift and the creation of a premature stop codon. This change is predicted to cause protein truncation or absence of the protein due to nonsense-mediated decay. This variant has been widely reported to be associated with cancer susceptibility, including significant associations with increased risk of breast cancer in large meta-analysis studies (odds ratios 2-5, PMID: 18172190, 22994785). It has also been reported in multiple cancer types such as colon, prostate, gastric, kidney, and thyroid (PMID: 14612911, 15087378, 15492928, 16880452, 21807500, 23296741, 25431674, 25583358, 26884562). This variant change has an overall frequency of 0.21% in gnomAD v2.1.1 and has been described as a founder variant in Northern European populations (PMID: 15087378). In summary, this variant meets criteria to be classified as pathogenic.